The following is an entry in ClinVar:

NM_001128840.3(CACNA1D):c.6142C>T (p.Arg2048Trp)

Gene: CACNA1D (calcium voltage-gated channel subunit alpha1 D; plus strand). Cytogenetic location: 3p21.1.
Variant type: single nucleotide variant.
Coding change: c.6142C>T on transcript NM_001128840.3 (MANE Select); coding-DNA position 6142, C replaced by T.
Protein change: p.Arg2048Trp; replaces arginine 2048 with tryptophan.
Molecular consequence: missense variant.
Genome position (GRCh38, 1-based): chr3:53,810,248, C>T. VCF-style: chr3-53810248-C-T. GRCh37 (hg19) VCF-style: chr3-53844275-C-T.
Other names: c.6202C>T, p.Arg2068Trp (NM_000720.4); c.6070C>T, p.Arg2024Trp (NM_001128839.3); short protein forms R2024W, R2048W, R2068W.
Identifiers: ClinVar variation 1512189 (VCV001512189.12), dbSNP rs552738200, ClinGen allele CA2455371.

ClinVar aggregate classification (germline): Uncertain significance. Review status: criteria provided, multiple submitters, no conflicts (2 of 4 stars). 3 submissions from 3 submitters: Uncertain significance (3). Last evaluated 2026-01-14.

Conditions:
Inborn genetic diseases. Identifiers: MedGen C0950123, MeSH D030342.

Allele frequency attached by ClinVar (database versions not stated): gnomAD 0.00004 and 0.00007; gnomAD exomes 0.00004 and 0.00008; TOPMed 0.00004; ExAC 0.00012.
gnomAD v4.1: 79 of 1,613,864 alleles (0.0049%); highest among the groups gnomAD compares: Middle Eastern, 0.13%; 1 homozygote.

Submissions (3):

Labcorp Genetics (formerly Invitae), Labcorp
Classification: Uncertain significance. Last evaluated: 2026-01-14. Review status: criteria provided, single submitter. Criteria: Invitae Variant Classification Sherloc (09022015). Collection method: clinical testing. Allele origin: germline.
Comment: This sequence change replaces arginine, which is basic and polar, with tryptophan, which is neutral and slightly polar, at codon 2068 of the CACNA1D protein (p.Arg2068Trp). This variant is present in population databases (rs552738200, gnomAD 0.04%). This variant has not been reported in the literature in individuals affected with CACNA1D-related conditions. ClinVar contains an entry for this variant (Variation ID: 1512189). An algorithm developed to predict the effect of missense changes on protein structure and function (PolyPhen-2) suggests that this variant is likely to be disruptive. In summary, the available evidence is currently insufficient to determine the role of this variant in disease. Therefore, it has been classified as a Variant of Uncertain Significance.

Ambry Genetics
Classification: Uncertain significance for Inborn genetic diseases. Last evaluated: 2025-09-25. Review status: criteria provided, single submitter. Criteria: Ambry Variant Classification Scheme 2023. Collection method: clinical testing. Allele origin: germline.

GeneDx
Classification: Uncertain significance. Last evaluated: 2022-05-11. Review status: criteria provided, single submitter. Criteria: GeneDx Variant Classification Process June 2021. Collection method: clinical testing. Allele origin: germline. Affected: yes.
Comment: In silico analysis supports that this missense variant has a deleterious effect on protein structure/function; Has not been previously published as pathogenic or benign to our knowledge